The following is an entry in ClinVar:

NM_002485.5(NBN):c.1343A>T (p.Gln448Leu)

Gene: NBN (nibrin; minus strand). Cytogenetic location: 8q21.3.
Variant type: single nucleotide variant.
Coding change: c.1343A>T on transcript NM_002485.5 (MANE Select); coding-DNA position 1343, A replaced by T.
Protein change: p.Gln448Leu; replaces glutamine 448 with leucine.
Molecular consequence: missense variant.
Genome position (GRCh38, 1-based): chr8:89,955,337, T>A on the plus strand (A>T on the coding strand, the complement: NBN is on the minus strand). VCF-style: chr8-89955337-T-A. GRCh37 (hg19) VCF-style: chr8-90967565-T-A.
Other names: p.Q448L:CAG>CTG; c.1097A>T, p.Gln366Leu (NM_001024688.3); short protein forms Q448L, Q366L.
Identifiers: ClinVar variation 182720 (VCV000182720.44), dbSNP rs146403088, ClinGen allele CA239214.

ClinVar aggregate classification (germline): Conflicting classifications of pathogenicity. Review status: criteria provided, conflicting classifications (1 of 4 stars). 13 submissions from 13 submitters: Uncertain significance (9); Likely benign (3). 1 of the submissions does not count toward it. Last evaluated 2025-12-17.

Conditions:
NBN-related disorder. Also called: NBN-related condition.
Hereditary cancer-predisposing syndrome. Also called: Neoplastic Syndromes, Hereditary; Tumor predisposition; Hereditary neoplastic syndrome; Hereditary Cancer Syndrome. Identifiers: Orphanet 140162, MedGen C0027672, MeSH D009386, MONDO:0015356.
Hereditary breast ovarian cancer syndrome. Also called: Hereditary breast and/or ovarian cancer syndrome; Hereditary breast and ovarian cancer syndrome; Hereditary breast and ovarian cancer; Hereditary breast and ovarian cancer syndrome (HBOC); Breast and ovarian cancer; BRCA1- and BRCA2-Associated Hereditary Breast and Ovarian Cancer. Identifiers: Orphanet 145, MedGen C0677776, MeSH D061325, MONDO:0003582. Disease mechanism: loss of function.
Aplastic anemia. Identifiers: Orphanet 182040, Orphanet 88, MedGen C0002874, MONDO:0015909, OMIM 609135, HP:0001915.
Microcephaly, normal intelligence and immunodeficiency (NBS). Also called: Immunodeficiency, microcephaly with normal intelligence; IMMUNODEFICIENCY, MICROCEPHALY, AND CHROMOSOMAL INSTABILITY; Ataxia telangiectasia variant V1; Nijmegen breakage syndrome; Microcephaly with normal intelligence immunodeficiency and lymphoreticular malignancies; Nonsyndromal microcephaly autosomal recessive with normal intelligence. Identifiers: Orphanet 647, MedGen C0398791, MONDO:0009623, OMIM 251260.

Allele frequency attached by ClinVar (database versions not stated): gnomAD exomes 0.00001 and 0.00004; ExAC 0.00004; ESP Exome Variant Server 0.00008; gnomAD 0.00016; TOPMed 0.00018; 1000 Genomes Project 30x 0.00031; 1000 Genomes Project 0.00040.
gnomAD v4.1: 38 of 1,613,890 alleles (0.0024%); highest among the groups gnomAD compares: African/African-American, 0.049%; no homozygotes.

Submissions (13):

Labcorp Genetics (formerly Invitae), Labcorp
Classification: Likely benign for Microcephaly, normal intelligence and immunodeficiency. Last evaluated: 2025-12-17. Review status: criteria provided, single submitter. Criteria: Invitae Variant Classification Sherloc (09022015). Collection method: clinical testing. Allele origin: germline.

PreventionGenetics, part of Exact Sciences
Classification: Likely benign for NBN-related condition. Last evaluated: 2025-10-09. Review status: criteria provided, single submitter. Criteria: ACMG Guidelines, 2015. Collection method: clinical testing. Allele origin: germline.
Comment: This variant is classified as likely benign based on ACMG/AMP sequence variant interpretation guidelines (Richards et al. 2015 PMID: 25741868, with internal and published modifications).

Women's Health and Genetics/Laboratory Corporation of America, LabCorp
Classification: Uncertain significance. Last evaluated: 2025-01-06. Review status: criteria provided, single submitter. Criteria: LabCorp Variant Classification Summary - May 2015. Collection method: clinical testing. Allele origin: germline.
Comment: Variant summary: NBN c.1343A>T (p.Gln448Leu) results in a non-conservative amino acid change in the encoded protein sequence. Four of five in-silico tools predict a benign effect of the variant on protein function. This frequency is not significantly higher than estimated for a pathogenic variant in NBN causing Nijmegen Breakage Syndrome (2.4e-05 vs 0.0025), allowing no conclusion about variant significance. c.1343A>T has been reported in the literature individuals affected with breast cancer and B-cell acute lymphoblastic leukemia (Tung_2014, Escherich_2024). These report(s) do not provide unequivocal conclusions about association of the variant with Nijmegen Breakage Syndrome. At least one publication reports experimental evidence evaluating an impact on protein function. These results showed no damaging effect of this variant (Escherich_2024). The following publications have been ascertained in the context of this evaluation (PMID: 25186627, 36346689, 38446568). ClinVar contains an entry for this variant (Variation ID: 182720). Based on the evidence outlined above, the variant was classified as VUS-possibly benign.

Baylor Genetics
Classification: Uncertain significance for Aplastic anemia. Last evaluated: 2024-03-29. Review status: criteria provided, single submitter. Criteria: ACMG Guidelines, 2015. Collection method: clinical testing. Allele origin: unknown.

Department of Pathology and Laboratory Medicine, Sinai Health System
Classification: Uncertain significance for Hereditary breast ovarian cancer syndrome. Last evaluated: 2023-11-10. Review status: criteria provided, single submitter. Criteria: ACMG Guidelines, 2015. Collection method: clinical testing. Allele origin: germline. Affected: yes.

Quest Diagnostics Nichols Institute San Juan Capistrano
Classification: Uncertain significance. Last evaluated: 2023-08-30. Review status: criteria provided, single submitter. Criteria: Quest Diagnostics criteria. Collection method: clinical testing. Allele origin: unknown.
Comment: In the published literature, this variant has been reported in an individual with breast cancer (PMID: 25186627 (2015)). The frequency of this variant in the general population, 0.00048 (12/24954 chromosomes (Genome Aggregation Database)), is uninformative in the assessment of its pathogenicity. Analysis of this variant using bioinformatics tools for the prediction of the effect of amino acid changes on protein structure and function yielded predictions that this variant is benign. Based on the available information, we are unable to determine the clinical significance of this variant.

GeneDx
Classification: Uncertain significance. Last evaluated: 2022-07-22. Review status: criteria provided, single submitter. Criteria: GeneDx Variant Classification Process June 2021. Collection method: clinical testing. Allele origin: germline. Affected: yes.
Comment: In silico analysis supports that this missense variant does not alter protein structure/function; Observed in an individual with breast cancer (Tung et al., 2015); This variant is associated with the following publications: (PMID: 25186627)

Ambry Genetics
Classification: Likely benign for Hereditary cancer-predisposing syndrome. Last evaluated: 2022-01-10. Review status: criteria provided, single submitter. Criteria: Ambry Variant Classification Scheme 2023. Collection method: clinical testing. Allele origin: germline.

Sema4
Classification: Uncertain significance for Hereditary cancer-predisposing syndrome. Last evaluated: 2021-11-23. Review status: criteria provided, single submitter. Criteria: Sema4 Curation Guidelines. Collection method: curation. Allele origin: germline.
Comment: The NBN c.1343A>T (p.Q448L) variant has been reported in one individual with breast cancer (PMID: 25186627). It was observed in 12/24954 chromosomes of the African/African American subpopulation, with no homozygotes, in the large and broad cohorts of the Genome Aggregation Database (PMID: 32461654). This variant has been reported in ClinVar (Variation ID: 182720). In silico tools suggest the impact of the variant on protein function is benign, though these predictions have not been confirmed by functional studies. The evidence is insufficient to meet ACMG/AMP criteria for classifying the variant as benign or pathogenic. Thus, the clinical significance of this variant is currently uncertain.

Genome-Nilou Lab
Classification: Uncertain significance for Microcephaly, normal intelligence and immunodeficiency. Last evaluated: 2021-11-07. Review status: criteria provided, single submitter. Criteria: ACMG Guidelines, 2015. Collection method: clinical testing. Allele origin: germline. Affected: no.

Revvity Omics, Revvity
Classification: Uncertain significance. Last evaluated: 2019-02-05. Review status: criteria provided, single submitter. Criteria: ACMG Guidelines, 2015. Collection method: clinical testing. Allele origin: germline.

Eurofins Ntd Llc (ga)
Classification: Uncertain significance. Last evaluated: 2014-12-17. Review status: criteria provided, single submitter. Criteria: EGL Classification Definitions 2015. Collection method: clinical testing. Allele origin: germline. Observed: 1 variant allele, 1 heterozygote.

Natera, Inc.
Classification: Uncertain significance for Nijmegen breakage syndrome. Last evaluated: 2020-09-16. Review status: no assertion criteria provided. Collection method: clinical testing. Allele origin: germline. Not counted in ClinVar's aggregate classification.

Literature cited by the submitters: PubMed 25186627 (cited by 4 submitters); PubMed 36346689 (cited by Women's Health and Genetics/Laboratory Corporation of America, LabCorp); PubMed 38446568 (cited by Women's Health and Genetics/Laboratory Corporation of America, LabCorp).